The following is an entry in ClinVar:

NM_004301.5(ACTL6A):c.1170G>T (p.Arg390Ser)

Gene: ACTL6A (actin like 6A; plus strand). Cytogenetic location: 3q26.33.
Variant type: single nucleotide variant.
Coding change: c.1170G>T on transcript NM_004301.5 (MANE Select); coding-DNA position 1170, G replaced by T.
Protein change: p.Arg390Ser; replaces arginine 390 with serine.
Molecular consequence: missense variant.
Genome position (GRCh38, 1-based): chr3:179,586,593, G>T. VCF-style: chr3-179586593-G-T. GRCh37 (hg19) VCF-style: chr3-179304381-G-T.
Other names: c.1044G>T, p.Arg348Ser (NM_177989.4, NM_178042.4); c.1044G>T (NM_178042.3); short protein forms R348S, R390S.
Identifiers: ClinVar variation 3263815 (VCV003263815.3).

ClinVar aggregate classification (germline): Uncertain significance. Review status: criteria provided, multiple submitters, no conflicts (2 of 4 stars). 2 submissions from 2 submitters: Uncertain significance (2). Last evaluated 2025-02-12.

Conditions:
Inborn genetic diseases. Identifiers: MedGen C0950123, MeSH D030342.

Submissions (2):

GeneDx
Classification: Uncertain significance. Last evaluated: 2025-02-12. Review status: criteria provided, single submitter. Criteria: GeneDx Variant Classification Process June 2021. Collection method: clinical testing. Allele origin: germline. Affected: yes.
Comment: Not observed at significant frequency in large population cohorts (gnomAD); In silico analysis supports that this missense variant has a deleterious effect on protein structure/function; Has not been previously published as pathogenic or benign to our knowledge

Ambry Genetics
Classification: Uncertain significance for Inborn genetic diseases. Last evaluated: 2024-07-18. Review status: criteria provided, single submitter. Criteria: Ambry Variant Classification Scheme 2023. Collection method: clinical testing. Allele origin: germline.
Comment: The c.1170G>T (p.R390S) alteration is located in exon 13 (coding exon 13) of the ACTL6A gene. This alteration results from a G to T substitution at nucleotide position 1170, causing the arginine (R) at amino acid position 390 to be replaced by a serine (S). This variant was not reported in population-based cohorts in the Genome Aggregation Database (gnomAD). This amino acid position is highly conserved in available vertebrate species. This alteration is predicted to be deleterious by in silico analysis. Based on insufficient or conflicting evidence, the clinical significance of this alteration remains unclear.